The following is an entry in ClinVar:

ClinVar aggregate classification (germline): Uncertain significance (1 of 4 stars; one submission).

Submission:

Labcorp Genetics (formerly Invitae), Labcorp
Classification: Uncertain significance. Last evaluated: 2025-01-06. Review status: criteria provided, single submitter. Criteria: Invitae Variant Classification Sherloc (09022015). Collection method: clinical testing. Allele origin: germline.
Comment: This sequence change replaces glutamic acid, which is acidic and polar, with lysine, which is basic and polar, at codon 546 of the MSH3 protein (p.Glu546Lys). This variant is not present in population databases (gnomAD no frequency). This variant has not been reported in the literature in individuals affected with MSH3-related conditions. An algorithm developed to predict the effect of missense changes on protein structure and function (PolyPhen-2) suggests that this variant is likely to be tolerated. In summary, the available evidence is currently insufficient to determine the role of this variant in disease. Therefore, it has been classified as a Variant of Uncertain Significance.

NM_002439.5(MSH3):c.1636G>A (p.Glu546Lys)

Gene: MSH3 (mutS homolog 3; plus strand). Cytogenetic location: 5q14.1.
Variant type: single nucleotide variant.
Coding change: c.1636G>A on transcript NM_002439.5 (MANE Select); coding-DNA position 1636, G replaced by A.
Protein change: p.Glu546Lys; replaces glutamic acid 546 with lysine.
Molecular consequence: missense variant.
Genome position (GRCh38, 1-based): chr5:80,741,531, G>A. VCF-style: chr5-80741531-G-A. GRCh37 (hg19) VCF-style: chr5-80037350-G-A.
Other names: short protein forms E546K.
Identifiers: ClinVar variation 3617183 (VCV003617183.2).